The following is an entry in ClinVar:

NM_001735.3(C5):c.2303A>G (p.Tyr768Cys)

Gene: C5 (complement C5; minus strand). Cytogenetic location: 9q33.2.
Variant type: single nucleotide variant.
Coding change: c.2303A>G on transcript NM_001735.3 (MANE Select); coding-DNA position 2303, A replaced by G.
Protein change: p.Tyr768Cys; replaces tyrosine 768 with cysteine.
Molecular consequence: missense variant.
Genome position (GRCh38, 1-based): chr9:121,008,453, T>C on the plus strand (A>G on the coding strand, the complement: C5 is on the minus strand). VCF-style: chr9-121008453-T-C. GRCh37 (hg19) VCF-style: chr9-123770731-T-C.
Other names: c.2321A>G, p.Tyr774Cys (NM_001317163.2); c.2303A>G, p.Tyr768Cys (NM_001317164.2); short protein forms Y774C, Y768C.
Identifiers: ClinVar variation 1936679 (VCV001936679.4), dbSNP rs766042051, ClinGen allele CA5217807.
Genomic context (GRCh38, chr9:121,008,453, plus strand): 5'-AAAGAAGTATAATACCTTCTGGGAACAAGATGAACTTCCCACAACCAGCTTTCTGGAAAA[T>C]AACTCCGAATTTCTGGCTTGCTTACTGGTAACAGGGTCTTCATGTCTGGACAAAAAAATC-3'
Protein context (NP_001726.2, residues 758-778): LPVSKPEIRS[Tyr768Cys]FPESWLWEVH

ClinVar aggregate classification (germline): Uncertain significance (1 of 4 stars; one submission).

Allele frequency attached by ClinVar (database versions not stated): TOPMed 0.00001; ExAC 0.00002.

Submission:

Labcorp Genetics (formerly Invitae), Labcorp
Classification: Uncertain significance. Last evaluated: 2022-07-19. Review status: criteria provided, single submitter. Criteria: Invitae Variant Classification Sherloc (09022015). Collection method: clinical testing. Allele origin: germline.
Comment: This variant has not been reported in the literature in individuals affected with C5-related conditions. This variant is present in population databases (rs766042051, gnomAD 0.01%). This sequence change replaces tyrosine, which is neutral and polar, with cysteine, which is neutral and slightly polar, at codon 768 of the C5 protein (p.Tyr768Cys). Algorithms developed to predict the effect of missense changes on protein structure and function (SIFT, PolyPhen-2, Align-GVGD) all suggest that this variant is likely to be disruptive. In summary, the available evidence is currently insufficient to determine the role of this variant in disease. Therefore, it has been classified as a Variant of Uncertain Significance.